The following is an entry in ClinVar:

NM_001042432.2(CLN3):c.1057-11C>T

Gene: CLN3 (CLN3 lysosomal/endosomal transmembrane protein, battenin; minus strand). Cytogenetic location: 16p12.1.
Variant type: single nucleotide variant.
Coding change: c.1057-11C>T on transcript NM_001042432.2 (MANE Select); 11 bases into the intron before coding-DNA position 1057, C replaced by T.
Molecular consequence: intron variant.
Genome position (GRCh38, 1-based): chr16:28,477,888, G>A on the plus strand (C>T on the coding strand, the complement: CLN3 is on the minus strand). VCF-style: chr16-28477888-G-A. GRCh37 (hg19) VCF-style: chr16-28489209-G-A.
Other names: c.823-11C>T (NM_001286109.2); c.985-11C>T (NM_001286104.2); c.757-11C>T (NM_001286105.2); c.895-11C>T (NM_001286110.2); c.1057-11C>T (NM_000086.2).
Identifiers: ClinVar variation 377686 (VCV000377686.11), dbSNP rs189498501, ClinGen allele CA7980694.

ClinVar aggregate classification (germline): Likely benign. Review status: criteria provided, multiple submitters, no conflicts (2 of 4 stars). 3 submissions from 3 submitters: Likely benign (3). Last evaluated 2026-01-28.

Conditions:
Neuronal ceroid lipofuscinosis. Also called: Neuronal Ceroid Lipofuscinoses. Identifiers: Orphanet 216, Orphanet 79263, MedGen C0027877, MONDO:0016295. Disease mechanism: loss of function.

Allele frequency attached by ClinVar (database versions not stated): TOPMed 0.00006; ExAC 0.00015; 1000 Genomes Project 30x 0.00016; 1000 Genomes Project 0.00020.
gnomAD v4.1: 69 of 1,613,346 alleles (0.0043%); highest among the groups gnomAD compares: East Asian, 0.098%; no homozygotes.

Submissions (3):

Labcorp Genetics (formerly Invitae), Labcorp
Classification: Likely benign for Neuronal ceroid lipofuscinosis. Last evaluated: 2026-01-28. Review status: criteria provided, single submitter. Criteria: Invitae Variant Classification Sherloc (09022015). Collection method: clinical testing. Allele origin: germline.

Blueprint Genetics
Classification: Likely benign. Last evaluated: 2024-05-30. Review status: criteria provided, single submitter. Criteria: ACMG Guidelines, 2015. Collection method: clinical testing. Allele origin: germline.

GeneDx
Classification: Likely benign. Last evaluated: 2017-01-17. Review status: criteria provided, single submitter. Criteria: GeneDx Variant Classification (06012015). Collection method: clinical testing. Allele origin: germline. Affected: yes.
Comment: This variant is considered likely benign or benign based on one or more of the following criteria: it is a conservative change, it occurs at a poorly conserved position in the protein, it is predicted to be benign by multiple in silico algorithms, and/or has population frequency not consistent with disease.